The following is an entry in ClinVar:

NM_000059.4(BRCA2):c.7292A>G (p.Asn2431Ser)

Gene: BRCA2 (BRCA2 DNA repair associated; plus strand). Cytogenetic location: 13q13.1.
Variant type: single nucleotide variant.
Coding change: c.7292A>G on transcript NM_000059.4 (MANE Select); coding-DNA position 7292, A replaced by G.
Protein change: p.Asn2431Ser; replaces asparagine 2431 with serine.
Molecular consequence: missense variant.
Genome position (GRCh38, 1-based): chr13:32,355,145, A>G. VCF-style: chr13-32355145-A-G. GRCh37 (hg19) VCF-style: chr13-32929282-A-G.
Other names: c.7196A>G, p.Asn2399Ser (NM_001406719.1); c.7292A>G, p.Asn2431Ser (NM_001406720.1); c.2360A>G, p.Asn787Ser (NM_001406721.1); c.875A>G, p.Asn292Ser (NM_001406722.1); short protein forms N292S, N2399S, N787S, N2431S.
Identifiers: ClinVar variation 1758113 (VCV001758113.2), dbSNP rs2072681964, ClinGen allele CA387740824.

ClinVar aggregate classification (germline): Uncertain significance (1 of 4 stars; one submission).

Conditions:
Hereditary cancer-predisposing syndrome. Also called: Neoplastic Syndromes, Hereditary; Tumor predisposition; Hereditary Cancer Syndrome; Hereditary neoplastic syndrome. Identifiers: Orphanet 140162, MedGen C0027672, MeSH D009386, MONDO:0015356.

Submission:

Ambry Genetics
Classification: Uncertain significance for Hereditary cancer-predisposing syndrome. Last evaluated: 2017-09-27. Review status: criteria provided, single submitter. Criteria: Ambry Variant Classification Scheme 2023. Collection method: clinical testing. Allele origin: germline.
Comment: The p.N2431S variant (also known as c.7292A>G), located in coding exon 13 of the BRCA2 gene, results from an A to G substitution at nucleotide position 7292. The asparagine at codon 2431 is replaced by serine, an amino acid with highly similar properties. This amino acid position is not well conserved in available vertebrate species. In addition, this alteration is predicted to be tolerated by in silico analysis. Since supporting evidence is limited at this time, the clinical significance of this alteration remains unclear.